The following is an entry in ClinVar:

ClinVar aggregate classification (germline): Uncertain significance (1 of 4 stars; one submission).

Conditions:
Malignant hyperthermia, susceptibility to, 5 (MHS5). Also called: CACNA1S-Related Malignant Hyperthermia Susceptibility. Identifiers: Orphanet 423, MedGen C1866077, MONDO:0011163, OMIM 601887.

Allele frequency attached by ClinVar (database versions not stated): TOPMed below 0.00001; gnomAD exomes 0.00002.
gnomAD v4.1: 25 of 1,614,168 alleles (0.0015%); highest among the groups gnomAD compares: South Asian, 0.0055%; no homozygotes.

Submission:

All of Us Research Program, National Institutes of Health
Classification: Uncertain significance for Malignant hyperthermia, susceptibility to, 5. Last evaluated: 2023-06-28. Review status: criteria provided, single submitter. Criteria: ACMG Guidelines, 2015. Collection method: clinical testing. Allele origin: germline. Inheritance: Autosomal dominant inheritance. Observed: 1 variant allele, 1 heterozygote.
Comment: This study involves interpretation of variants in research participants for the purpose of population health screening. Participant phenotype was not available at the time of variant classification. Additional details can be found in publication PMID: 35346344, PMCID: PMC8962531

NM_000069.3(CACNA1S):c.2965G>A (p.Glu989Lys)

Gene: CACNA1S (calcium voltage-gated channel subunit alpha1 S; minus strand). Cytogenetic location: 1q32.1.
Variant type: single nucleotide variant.
Coding change: c.2965G>A on transcript NM_000069.3 (MANE Select); coding-DNA position 2965, G replaced by A.
Protein change: p.Glu989Lys; replaces glutamic acid 989 with lysine.
Molecular consequence: missense variant.
Genome position (GRCh38, 1-based): chr1:201,062,032, C>T on the plus strand (G>A on the coding strand, the complement: CACNA1S is on the minus strand). VCF-style: chr1-201062032-C-T. GRCh37 (hg19) VCF-style: chr1-201031160-C-T.
Other names: short protein forms E989K.
Identifiers: ClinVar variation 3069272 (VCV003069272.1), dbSNP rs922494615, ClinGen allele CA36007807.